The following is an entry in ClinVar:

NM_152309.3(PIK3AP1):c.1621_1622delinsCT (p.Ala541Leu)

Gene: PIK3AP1 (phosphoinositide-3-kinase adaptor protein 1; minus strand). Cytogenetic location: 10q24.1.
Variant type: Indel.
Coding change: c.1621_1622delinsCT on transcript NM_152309.3 (MANE Select); coding-DNA positions 1621 to 1622, GC replaced by CT.
Protein change: p.Ala541Leu; replaces alanine 541 with leucine.
Molecular consequence: missense variant.
Genome position (GRCh38, 1-based): chr10:96,626,755-96,626,756, GC replaced by AG on the plus strand (GC replaced by CT on the coding strand, the reverse complement: PIK3AP1 is on the minus strand). VCF-style: chr10-96626755-GC-AG. GRCh37 (hg19) VCF-style: chr10-98386512-GC-AG.
Other names: short protein forms A541L.
Identifiers: ClinVar variation 3044592 (VCV003044592.2), dbSNP rs2493661360, ClinGen allele CA2740093493.

ClinVar aggregate classification (germline): Uncertain significance (0 of 4 stars; one submission).

Conditions:
PIK3AP1-related disorder. Also called: PIK3AP1-related condition.

Submission:

PreventionGenetics, part of Exact Sciences
Classification: Uncertain significance for PIK3AP1-related condition. Last evaluated: 2024-01-26. Review status: no assertion criteria provided. Collection method: clinical testing. Allele origin: germline.
Comment: The PIK3AP1 c.1621_1622delinsCT variant is predicted to result in an in-frame deletion and insertion. To our knowledge, this variant has not been reported in the literature or in a large population database, indicating this variant is rare. At this time, the clinical significance of this variant is uncertain due to the absence of conclusive functional and genetic evidence.